The following is an entry in ClinVar:

NM_001035.3(RYR2):c.1641C>A (p.Asn547Lys)

Gene: RYR2 (ryanodine receptor 2; plus strand). Cytogenetic location: 1q43.
Variant type: single nucleotide variant.
Coding change: c.1641C>A on transcript NM_001035.3 (MANE Select); coding-DNA position 1641, C replaced by A.
Protein change: p.Asn547Lys; replaces asparagine 547 with lysine.
Molecular consequence: missense variant.
Genome position (GRCh38, 1-based): chr1:237,469,120, C>A. VCF-style: chr1-237469120-C-A. GRCh37 (hg19) VCF-style: chr1-237632420-C-A.
Other names: p.N547K:AAC>AAA; c.1641C>A, p.Asn547Lys (LRG_402t1); short protein forms N547K.
Identifiers: ClinVar variation 201219 (VCV000201219.12), dbSNP rs794728722, ClinGen allele CA008535.

ClinVar aggregate classification (germline): Conflicting classifications of pathogenicity. Review status: criteria provided, conflicting classifications (1 of 4 stars). 3 submissions from 3 submitters: Likely pathogenic (1); Uncertain significance (2). Last evaluated 2024-11-15.

Conditions:
Cardiovascular phenotype. Identifiers: MedGen CN230736.
Catecholaminergic polymorphic ventricular tachycardia 1. Also called: RYR2-Related Catecholaminergic Polymorphic Ventricular Tachycardia; VENTRICULAR TACHYCARDIA, CATECHOLAMINERGIC POLYMORPHIC, 1, WITH OR WITHOUT ATRIAL DYSFUNCTION AND/OR DILATED CARDIOMYOPATHY; VENTRICULAR TACHYCARDIA, STRESS-INDUCED POLYMORPHIC 1. Identifiers: Orphanet 3286, MedGen C1631597, MONDO:0011484, OMIM 604772.

Submissions (3):

Ambry Genetics
Classification: Likely pathogenic for Cardiovascular phenotype. Last evaluated: 2024-11-15. Review status: criteria provided, single submitter. Criteria: Ambry Variant Classification Scheme 2023. Collection method: clinical testing. Allele origin: germline.
Comment: The p.N547K variant (also known as c.1641C>A), located in coding exon 17 of the RYR2 gene, results from a C to A substitution at nucleotide position 1641. The asparagine at codon 547 is replaced by lysine, an amino acid with similar properties. This variant is considered to be rare based on population cohorts in the Genome Aggregation Database (gnomAD). This amino acid position is highly conserved in available vertebrate species. In addition, the in silico prediction for this alteration is inconclusive. Based on the majority of available evidence to date, this variant is likely to be pathogenic.

Labcorp Genetics (formerly Invitae), Labcorp
Classification: Uncertain significance for Catecholaminergic polymorphic ventricular tachycardia 1. Last evaluated: 2021-10-15. Review status: criteria provided, single submitter. Criteria: Invitae Variant Classification Sherloc (09022015). Collection method: clinical testing. Allele origin: germline.
Comment: This variant has not been reported in the literature in individuals affected with RYR2-related conditions. This variant is not present in population databases (ExAC no frequency). This sequence change replaces asparagine with lysine at codon 547 of the RYR2 protein (p.Asn547Lys). The asparagine residue is highly conserved and there is a moderate physicochemical difference between asparagine and lysine. Advanced modeling of protein sequence and biophysical properties (such as structural, functional, and spatial information, amino acid conservation, physicochemical variation, residue mobility, and thermodynamic stability) performed at Invitae indicates that this missense variant is expected to disrupt RYR2 protein function. ClinVar contains an entry for this variant (Variation ID: 201219). In summary, the available evidence is currently insufficient to determine the role of this variant in disease. Therefore, it has been classified as a Variant of Uncertain Significance.

GeneDx
Classification: Uncertain significance. Last evaluated: 2012-01-10. Review status: criteria provided, single submitter. Criteria: GeneDx Variant Classification (06012015). Collection method: clinical testing. Allele origin: germline. Affected: yes.
Comment: p.Asn547Lys (AAC>AAA): c.1641 C>A in the RYR2 gene. The Asn547Lys variant in the RYR2 gene has not been reported previously as a disease-causing mutation or as a benign polymorphism, to our knowledge. Asn547Lys results in a non-conservative amino acid substitution of a neutral, polar Asparagine with a positively charged Lysine at a residue that is conserved across species. A mutation in a nearby codon (Ala549Val) has been reported in association with CPVT (Medeiros-Domingo et al., 2009). In addition, the Asn547Lys variant was not detected in unrelated individuals of Caucasian ancestry at GeneDx. The Asn547Lys variant was not observed in approximately 6,000 individuals of European and African American ancestry in the NHLBI Exome Sequencing Project, indicating it is not a common benign variant in these populations. However, Asn547Lys is not located within any of the three mutation hot spot regions in the RYR2 gene. In summary, with the clinical and molecular information available at this time, the clinical significance of the Asn547Lys in the RYR2 gene is unknown. The variant is found in CPVT panel(s).